The following is an entry in ClinVar:

NM_006280.3(SSR4):c.241C>T (p.Gln81Ter)

Gene: SSR4 (signal sequence receptor subunit 4; plus strand). Cytogenetic location: Xq28.
Variant type: single nucleotide variant.
Coding change: c.241C>T on transcript NM_006280.3 (MANE Select); coding-DNA position 241, C replaced by T.
Protein change: p.Gln81Ter; replaces glutamine 81 with a stop codon.
Molecular consequence: nonsense.
Genome position (GRCh38, 1-based): chrX:153,797,512, C>T. VCF-style: chrX-153797512-C-T. GRCh37 (hg19) VCF-style: chrX-153062967-C-T.
Other names: c.274C>T, p.Gln92Ter (NM_001204526.2); c.265C>T, p.Gln89Ter (NM_001204527.2); short protein forms Q81*, Q89*, Q92*.
Identifiers: ClinVar variation 984389 (VCV000984389.2), dbSNP rs2092148846, ClinGen allele CA415186597.
Genomic context (GRCh38, chrX:153,797,512, plus strand): 5'-ACCCAGAACATGGCTCTCTATGCTGACGTCGGTGGAAAACAATTCCCTGTCACTCGAGGC[C>T]AGGATGTGGGGCGTTATCAGGTGAGGGGCCAATGGTTCCCTTGCTAGGGGGCTCCCTGCT-3'

ClinVar aggregate classification (germline): Pathogenic (0 of 4 stars; one submission).

Conditions:
SSR4-congenital disorder of glycosylation. Also called: CDG IY; Congenital disorder of glycosylation type 1y; SSR4-CDG. Identifiers: Orphanet 370927, MedGen C4012395, MONDO:0010490, OMIM 300934.

Submission:

Biochemistry and Genetic Laboratory, APHP Bichat Claude Bernard Hospital
Classification: Pathogenic for SSR4-congenital disorder of glycosylation. Last evaluated: 2015-08-13. Review status: no assertion criteria provided. Collection method: clinical testing. Allele origin: de novo. Inheritance: X-linked recessive inheritance. Affected: yes. Observed: 1 hemizygote.
Comment: Type 1 serum sialotransferrin profile Variant inherited de novo